The following is an entry in ClinVar:

ClinVar aggregate classification (germline): Benign (1 of 4 stars; one submission).

Allele frequency attached by ClinVar (database versions not stated): 1000 Genomes Project 30x 0.23204; TOPMed 0.23288; 1000 Genomes Project 0.23482.
gnomAD v4.1: 243,042 of 1,289,496 alleles (19%); highest among the groups gnomAD compares: African/African-American, 34%; 24,652 homozygotes.

Submission:

Unidad de Genómica Garrahan, Hospital de Pediatría Garrahan
Classification: Benign. Last evaluated: 2024-01-24. Review status: criteria provided, single submitter. Criteria: ACMG Guidelines, 2015. Collection method: clinical testing. Allele origin: germline. Affected: no. Observed: 39 variant alleles.
Comment: This variant is classified as Benign based on local population frequency. This variant was detected in 41% of patients studied by a panel of primary immunodeficiencies. Number of patients: 39. Only high quality variants are reported.

NM_000269.3(NME1):c.342-53C>A

Genes: NME1 (NME/NM23 nucleoside diphosphate kinase 1; plus strand), NME1-NME2 (NME1-NME2 readthrough; plus strand). Cytogenetic location: 17q21.33.
Variant type: single nucleotide variant.
Coding change: c.342-53C>A on transcript NM_000269.3 (MANE Select); 53 bases into the intron before coding-DNA position 342, C replaced by A.
Molecular consequence: intron variant.
Genome position (GRCh38, 1-based): chr17:51,161,675, C>A. VCF-style: chr17-51161675-C-A. GRCh37 (hg19) VCF-style: chr17-49239036-C-A.
Other names: c.341+403C>A (NM_001018136.3); c.417-53C>A (NM_198175.1).
Identifiers: ClinVar variation 2688180 (VCV002688180.2), dbSNP rs2159359, ClinGen allele CA15906108.
Genomic context (GRCh38, chr17:51,161,675, plus strand): 5'-TCTAATGTCCATGGAGCTTCAGCTTTTATGCTGCTGTGGCTGTAGATTTCTGGCAATGGG[C>A]GCATTTTAATCCTTCTGGTCTTGGTCATGTGACTATCTCTTTCTCCACCCAGGAACATTA-3'